The following is an entry in ClinVar:

ClinVar aggregate classification (germline): Uncertain significance (1 of 4 stars; one submission).

Submission:

Dasa
Classification: Uncertain significance. Last evaluated: 2026-02-04. Review status: criteria provided, single submitter. Criteria: DASA Assertion Criteria. Collection method: clinical testing. Allele origin: germline.
Comment: NM_006790.3(MYOT):c.131C>T (p.Pro44Leu) is a missense variant that results in the substitution of proline with leucine. This variant is rare in population databases. The currently available literature and clinical evidence are not sufficient to establish a definitive association between this variant and the reported condition. Therefore, this variant is classified as a variant of uncertain significance.

NM_006790.3(MYOT):c.131C>T (p.Pro44Leu)

Genes: MYOT (myotilin; plus strand), PKD2L2-DT (PKD2L2 divergent transcript; minus strand). Cytogenetic location: 5q31.2.
Variant type: single nucleotide variant.
Coding change: c.131C>T on transcript NM_006790.3 (MANE Select); coding-DNA position 131, C replaced by T.
Protein change: p.Pro44Leu; replaces proline 44 with leucine.
Molecular consequence: missense variant. On other transcripts: intron variant (2).
Genome position (GRCh38, 1-based): chr5:137,870,782, C>T. VCF-style: chr5-137870782-C-T. GRCh37 (hg19) VCF-style: chr5-137206471-C-T.
Other names: c.-120-95C>T (NM_001300911.2); c.-197+257C>T (NM_001135940.2); short protein forms P44L.
Identifiers: ClinVar variation 4881048 (VCV004881048.2).